The following is an entry in ClinVar:

NM_198525.3(KIF7):c.2724T>G (p.Ile908Met)

Gene: KIF7 (kinesin family member 7; minus strand). Cytogenetic location: 15q26.1.
Variant type: single nucleotide variant.
Coding change: c.2724T>G on transcript NM_198525.3 (MANE Select); coding-DNA position 2724, T replaced by G.
Protein change: p.Ile908Met; replaces isoleucine 908 with methionine.
Molecular consequence: missense variant.
Genome position (GRCh38, 1-based): chr15:89,632,991, A>C on the plus strand (T>G on the coding strand, the complement: KIF7 is on the minus strand). VCF-style: chr15-89632991-A-C. GRCh37 (hg19) VCF-style: chr15-90176222-A-C.
Other names: short protein forms I908M.
Identifiers: ClinVar variation 1430003 (VCV001430003.5), dbSNP rs1963714856, ClinGen allele CA393758420.

ClinVar aggregate classification (germline): Uncertain significance (1 of 4 stars; one submission).

Conditions:
Acrocallosal syndrome (ACLS). Also called: Schinzel syndrome 1; Absence of corpus callosum with unusual facial appearance, mental deficiency, duplication of the halluces and polydactyly; HALLUX DUPLICATION, POSTAXIAL POLYDACTYLY, AND ABSENCE OF CORPUS CALLOSUM. Identifiers: Orphanet 36, MedGen C0796147, MONDO:0008708, OMIM 200990.

Submission:

Labcorp Genetics (formerly Invitae), Labcorp
Classification: Uncertain significance for Acrocallosal syndrome. Last evaluated: 2022-02-24. Review status: criteria provided, single submitter. Criteria: Invitae Variant Classification Sherloc (09022015). Collection method: clinical testing. Allele origin: germline.
Comment: This sequence change replaces isoleucine, which is neutral and non-polar, with methionine, which is neutral and non-polar, at codon 908 of the KIF7 protein (p.Ile908Met). This variant is not present in population databases (gnomAD no frequency). This variant has not been reported in the literature in individuals affected with KIF7-related conditions. Algorithms developed to predict the effect of missense changes on protein structure and function are either unavailable or do not agree on the potential impact of this missense change (SIFT: "Deleterious"; PolyPhen-2: "Benign"; Align-GVGD: "Class C0"). In summary, the available evidence is currently insufficient to determine the role of this variant in disease. Therefore, it has been classified as a Variant of Uncertain Significance.